The following is an entry in ClinVar:

NM_001606.5(ABCA2):c.4709G>A (p.Arg1570Gln)

Gene: ABCA2 (ATP binding cassette subfamily A member 2; minus strand). Cytogenetic location: 9q34.3.
Variant type: single nucleotide variant.
Coding change: c.4709G>A on transcript NM_001606.5 (MANE Select); coding-DNA position 4709, G replaced by A.
Protein change: p.Arg1570Gln; replaces arginine 1570 with glutamine.
Molecular consequence: missense variant.
Genome position (GRCh38, 1-based): chr9:137,013,160, C>T on the plus strand (G>A on the coding strand, the complement: ABCA2 is on the minus strand). VCF-style: chr9-137013160-C-T. GRCh37 (hg19) VCF-style: chr9-139907612-C-T.
Other names: c.4706G>A, p.Arg1569Gln (NM_001411042.1); c.4799G>A, p.Arg1600Gln (NM_212533.3); short protein forms R1600Q, R1569Q, R1570Q.
Identifiers: ClinVar variation 2515574 (VCV002515574.4), dbSNP rs570738718, ClinGen allele CA5354277.

ClinVar aggregate classification (germline): Uncertain significance. Review status: criteria provided, multiple submitters, no conflicts (2 of 4 stars). 2 submissions from 2 submitters: Uncertain significance (2). Last evaluated 2026-08-25.

Allele frequency attached by ClinVar (database versions not stated): TOPMed 0.00004; gnomAD 0.00007; ExAC 0.00011; 1000 Genomes Project 0.00060; 1000 Genomes Project 30x 0.00094.
gnomAD v4.1: 72 of 1,599,902 alleles (0.0045%); highest among the groups gnomAD compares: East Asian, 0.029%; no homozygotes.

Submissions (2):

GeneDx
Classification: Uncertain significance. Last evaluated: 2026-08-25. Review status: criteria provided, single submitter. Criteria: GeneDx Variant Classification Process June 2021. Collection method: clinical testing. Allele origin: germline.
Comment: In silico analysis suggests that this missense variant does not alter protein structure/function; Has not been previously published as pathogenic or benign to our knowledge

Ambry Genetics
Classification: Uncertain significance. Last evaluated: 2023-05-02. Review status: criteria provided, single submitter. Criteria: Ambry Variant Classification Scheme 2023. Collection method: clinical testing. Allele origin: germline.